The following is an entry in ClinVar:

NM_001372106.1(DNAH10):c.13303G>A (p.Glu4435Lys)

Genes: DNAH10 (dynein axonemal heavy chain 10; plus strand), DNAH10OS (dynein axonemal heavy chain 10 opposite strand; minus strand). Cytogenetic location: 12q24.31.
Variant type: single nucleotide variant.
Coding change: c.13303G>A on transcript NM_001372106.1 (MANE Select); coding-DNA position 13303, G replaced by A.
Protein change: p.Glu4435Lys; replaces glutamic acid 4435 with lysine.
Molecular consequence: missense variant.
Genome position (GRCh38, 1-based): chr12:123,933,337, G>A. VCF-style: chr12-123933337-G-A. GRCh37 (hg19) VCF-style: chr12-124417884-G-A.
Other names: c.12949G>A, p.Glu4317Lys (NM_001083900.1, NM_207437.3); short protein forms E4317K, E4435K.
Identifiers: ClinVar variation 2643544 (VCV002643544.24), dbSNP rs760524669, ClinGen allele CA6866205.
Genomic context (GRCh38, chr12:123,933,337, plus strand): 5'-CTGGCATTGGATGGCAGCCCCAGGCTCCCAGCACTTGTCCTCTCTTCTCTCCAGGTGACC[G>A]AGAGCGAGCCCAGCGTGATGTGGCTCTCGGGGCTGCACATCCCTGAGTCCTACCTCACGG-3'
Protein context (NP_001359035.1, residues 4425-4445): RFSQYMLWVT[Glu4435Lys]SEPSVMWLSG

ClinVar aggregate classification (germline): Uncertain significance (1 of 4 stars; one submission).

Allele frequency attached by ClinVar (database versions not stated): gnomAD 0.00001; gnomAD exomes 0.00001; TOPMed 0.00001; ExAC 0.00004.
gnomAD v4.1: 19 of 1,567,972 alleles (0.0012%); highest among the groups gnomAD compares: South Asian, 0.0093%; no homozygotes.

Submission:

CeGaT Center for Human Genetics Tuebingen
Classification: Uncertain significance. Last evaluated: 2023-10-01. Review status: criteria provided, single submitter. Criteria: CeGaT Center For Human Genetics Tuebingen Variant Classification Criteria Version 2. Collection method: clinical testing. Allele origin: germline. Affected: yes. Observed: 1 variant allele.
Comment: DNAH10: PM2